The following is an entry in ClinVar:

NM_000553.6(WRN):c.2361G>T (p.Leu787=)

Gene: WRN (WRN RecQ like helicase; plus strand). Cytogenetic location: 8p12.
Variant type: single nucleotide variant.
Coding change: c.2361G>T on transcript NM_000553.6 (MANE Select); coding-DNA position 2361, G replaced by T.
Protein change: p.Leu787=; no amino-acid change (leucine 787 retained).
Molecular consequence: synonymous variant.
Genome position (GRCh38, 1-based): chr8:31,116,441, G>T. VCF-style: chr8-31116441-G-T. GRCh37 (hg19) VCF-style: chr8-30973957-G-T.
Other names: p.Leu787=.
Identifiers: ClinVar variation 130758 (VCV000130758.29), dbSNP rs1800392, ClinGen allele CA156017.

ClinVar aggregate classification (germline): Benign/Likely benign. Review status: criteria provided, multiple submitters, no conflicts (2 of 4 stars). 14 submissions from 13 submitters: Benign (10); Likely benign (1). 3 of the submissions do not count toward it. Last evaluated 2026-02-04.

Conditions:
Wiskott-Aldrich syndrome (WAS). Also called: Wiskott-aldrich syndrome, somatic; WISKOTT-ALDRICH SYNDROME 1; ALDRICH SYNDROME; IMMUNODEFICIENCY 2. Identifiers: Orphanet 906, MedGen C0043194, MONDO:0010518, OMIM 301000.
Werner syndrome (WRN). Identifiers: Orphanet 902, MedGen C0043119, MONDO:0010196, OMIM 277700.

Allele frequency attached by ClinVar (database versions not stated): gnomAD 0.44630 and 0.44644; TOPMed 0.46326; 1000 Genomes Project 0.47125; 1000 Genomes Project 30x 0.47408; ExAC 0.44663; ESP Exome Variant Server 0.44818; gnomAD exomes 0.45402 and 0.45581.
gnomAD v4.1: 733,959 of 1,613,630 alleles (45%); highest among the groups gnomAD compares: East Asian, 60%; 169,470 homozygotes.

Submissions (14):

Labcorp Genetics (formerly Invitae), Labcorp
Classification: Benign for Werner syndrome. Last evaluated: 2026-02-04. Review status: criteria provided, single submitter. Criteria: Invitae Variant Classification Sherloc (09022015). Collection method: clinical testing. Allele origin: germline.

KCCC/NGS Laboratory, Kuwait Cancer Control Center
Classification: Benign for Werner syndrome. Last evaluated: 2025-02-01. Review status: criteria provided, single submitter. Criteria: ACMG Guidelines, 2015. Collection method: clinical testing. Allele origin: germline. Affected: no.

Blueprint Genetics
Classification: Likely benign. Last evaluated: 2024-11-27. Review status: criteria provided, single submitter. Criteria: ACMG Guidelines, 2015. Collection method: clinical testing. Allele origin: germline.

KCCC/NGS Laboratory, Kuwait Cancer Control Center
Classification: Benign for Wiskott-Aldrich syndrome. Last evaluated: 2023-07-07. Review status: criteria provided, single submitter. Criteria: ACMG Guidelines, 2015. Collection method: clinical testing. Allele origin: germline. Affected: yes.

Mayo Clinic Laboratories, Mayo Clinic
Classification: Benign. Last evaluated: 2022-03-18. Review status: criteria provided, single submitter. Criteria: ACMG Guidelines, 2015. Collection method: clinical testing. Allele origin: germline. Observed: 276 variant alleles.

Genome-Nilou Lab
Classification: Benign for Werner syndrome. Last evaluated: 2021-12-05. Review status: criteria provided, single submitter. Criteria: ACMG Guidelines, 2015. Collection method: clinical testing. Allele origin: germline. Affected: no.

Women's Health and Genetics/Laboratory Corporation of America, LabCorp
Classification: Benign. Last evaluated: 2021-12-03. Review status: criteria provided, single submitter. Criteria: LabCorp Variant Classification Summary - May 2015. Collection method: clinical testing. Allele origin: germline.

GeneDx
Classification: Benign. Last evaluated: 2018-03-24. Review status: criteria provided, single submitter. Criteria: GeneDx Variant Classification (06012015). Collection method: clinical testing. Allele origin: germline. Affected: yes.
Comment: This variant is considered likely benign or benign based on one or more of the following criteria: it is a conservative change, it occurs at a poorly conserved position in the protein, it is predicted to be benign by multiple in silico algorithms, and/or has population frequency not consistent with disease.

Illumina Laboratory Services, Illumina
Classification: Benign for Werner syndrome. Last evaluated: 2018-01-13. Review status: criteria provided, single submitter. Criteria: ICSL Variant Classification Criteria 13 December 2019. Collection method: clinical testing. Allele origin: germline.
Comment: This variant was observed in the ICSL laboratory as part of a predisposition screen in an ostensibly healthy population. It had not been previously curated by ICSL or reported in the Human Gene Mutation Database (HGMD: prior to June 1st, 2018), and was therefore a candidate for classification through an automated scoring system. Utilizing variant allele frequency, disease prevalence and penetrance estimates, and inheritance mode, an automated score was calculated to assess if this variant is too frequent to cause the disease. Based on the score and internal cut-off values, a variant classified as benign is not then subjected to further curation. The score for this variant resulted in a classification of benign for this disease.

Breakthrough Genomics
Classification: Benign. Review status: criteria provided, single submitter. Criteria: ACMG Guidelines, 2015. Collection method: not provided. Allele origin: germline. Inheritance: Autosomal recessive inheritance. Affected: yes.

PreventionGenetics, part of Exact Sciences
Classification: Benign. Review status: criteria provided, single submitter. Criteria: ACMG Guidelines, 2015. Collection method: clinical testing. Allele origin: germline.

Diagnostic Laboratory, Department of Genetics, University Medical Center Groningen
Classification: Benign. Review status: no assertion criteria provided. Collection method: clinical testing. Allele origin: germline. Affected: yes. Study: VKGL Data-share Consensus. Not counted in ClinVar's aggregate classification.

Genetic Services Laboratory, University of Chicago
Classification: Likely benign for AllHighlyPenetrant. Review status: no assertion criteria provided. Collection method: clinical testing. Allele origin: germline. Inheritance: Autosomal recessive inheritance. Not counted in ClinVar's aggregate classification.
Comment: Likely benign based on allele frequency in 1000 Genomes Project or ESP global frequency and its presence in a patient with a rare or unrelated disease phenotype. NOT Sanger confirmed.

Joint Genome Diagnostic Labs from Nijmegen and Maastricht, Radboudumc and MUMC+
Classification: Benign. Review status: no assertion criteria provided. Collection method: clinical testing. Allele origin: germline. Affected: yes. Study: VKGL Data-share Consensus. Not counted in ClinVar's aggregate classification.